The following is an entry in ClinVar:

ClinVar aggregate classification (germline): Pathogenic (1 of 4 stars; one submission).

Submission:

GeneDx
Classification: Pathogenic. Last evaluated: 2022-11-02. Review status: criteria provided, single submitter. Criteria: GeneDx Variant Classification Process June 2021. Collection method: clinical testing. Allele origin: germline. Affected: yes.
Comment: Not observed in large population cohorts (gnomAD); In silico analysis supports that this missense variant has a deleterious effect on protein structure/function; This variant is associated with the following publications: (PMID: 36074901)

NM_001694.4(ATP6V0C):c.445G>A (p.Ala149Thr)

Gene: ATP6V0C (ATPase H+ transporting V0 subunit c; plus strand). Cytogenetic location: 16p13.3.
Variant type: single nucleotide variant.
Coding change: c.445G>A on transcript NM_001694.4 (MANE Select); coding-DNA position 445, G replaced by A.
Protein change: p.Ala149Thr; replaces alanine 149 with threonine.
Molecular consequence: missense variant.
Genome position (GRCh38, 1-based): chr16:2,519,722, G>A. VCF-style: chr16-2519722-G-A. GRCh37 (hg19) VCF-style: chr16-2569723-G-A.
Other names: c.445G>A, p.Ala149Thr (NM_001198569.2); short protein forms A149T.
Identifiers: ClinVar variation 1722927 (VCV001722927.2), dbSNP rs2505559205, ClinGen allele CA394388852.